The following is an entry in ClinVar:

ClinVar aggregate classification (germline): Uncertain significance. Review status: criteria provided, multiple submitters, no conflicts (2 of 4 stars). 4 submissions from 4 submitters: Uncertain significance (4). Last evaluated 2022-06-01.

Conditions:
Inborn genetic diseases. Identifiers: MedGen C0950123, MeSH D030342.
COG8-congenital disorder of glycosylation. Also called: COG8-CDG; CDG IIh. Identifiers: Orphanet 95428, MedGen C1970021, MONDO:0012635, OMIM 611182.

Allele frequency attached by ClinVar (database versions not stated): gnomAD exomes 0.00005 and 0.00013; ExAC 0.00008; ESP Exome Variant Server 0.00008; gnomAD 0.00008 and 0.00009; TOPMed 0.00015.
gnomAD v4.1: 87 of 1,614,086 alleles (0.0054%); highest among the groups gnomAD compares: Admixed American, 0.052%; no homozygotes.

Submissions (4):

Labcorp Genetics (formerly Invitae), Labcorp
Classification: Uncertain significance for COG8-congenital disorder of glycosylation. Last evaluated: 2022-06-01. Review status: criteria provided, single submitter. Criteria: Invitae Variant Classification Sherloc (09022015). Collection method: clinical testing. Allele origin: germline.
Comment: This sequence change replaces alanine, which is neutral and non-polar, with valine, which is neutral and non-polar, at codon 458 of the COG8 protein (p.Ala458Val). This variant is present in population databases (rs149531391, gnomAD 0.07%). This variant has not been reported in the literature in individuals affected with COG8-related conditions. ClinVar contains an entry for this variant (Variation ID: 597493). Algorithms developed to predict the effect of missense changes on protein structure and function output the following: SIFT: "Tolerated"; PolyPhen-2: "Benign"; Align-GVGD: "Class C0". The valine amino acid residue is found in multiple mammalian species, which suggests that this missense change does not adversely affect protein function. In summary, the available evidence is currently insufficient to determine the role of this variant in disease. Therefore, it has been classified as a Variant of Uncertain Significance.

Ambry Genetics
Classification: Uncertain significance for Inborn genetic diseases. Last evaluated: 2021-03-30. Review status: criteria provided, single submitter. Criteria: Ambry Variant Classification Scheme 2023. Collection method: clinical testing. Allele origin: germline.

Mayo Clinic Laboratories, Mayo Clinic
Classification: Uncertain significance. Last evaluated: 2019-05-20. Review status: criteria provided, single submitter. Criteria: ACMG Guidelines, 2015. Collection method: clinical testing. Allele origin: germline. Observed: 1 variant allele.

Eurofins Ntd Llc (ga)
Classification: Uncertain significance. Last evaluated: 2018-06-27. Review status: criteria provided, single submitter. Criteria: EGL ClinVar v180209 classification definitions. Collection method: clinical testing. Allele origin: germline. Observed: 1 variant allele, 1 heterozygote.

NM_032382.5(COG8):c.1373C>T (p.Ala458Val)

Gene: COG8 (component of oligomeric golgi complex 8; minus strand). Cytogenetic location: 16q22.1.
Variant type: single nucleotide variant.
Coding change: c.1373C>T on transcript NM_032382.5 (MANE Select); coding-DNA position 1373, C replaced by T.
Protein change: p.Ala458Val; replaces alanine 458 with valine.
Molecular consequence: missense variant.
Genome position (GRCh38, 1-based): chr16:69,334,561, G>A on the plus strand (C>T on the coding strand, the complement: COG8 is on the minus strand). VCF-style: chr16-69334561-G-A. GRCh37 (hg19) VCF-style: chr16-69368464-G-A.
Other names: c.1373C>T, p.Ala458Val (NM_001379261.1, NM_001379262.1, NM_001379263.1 and 4 more transcripts); short protein forms A458V.
Identifiers: ClinVar variation 597493 (VCV000597493.11), dbSNP rs149531391, ClinGen allele CA8133739.
Genomic context (GRCh38, chr16:69,334,561, plus strand): 5'-AACCAACAGAATGTGCTCACCTTGGCAAGGGCATCTTCCAAGGCCCCAGTCACATCCTGC[G>A]CCAGGGCCACAGGGCAGCAGAGGCGCAGATCATTGAAGGCAACCAGAATATTGTTGAGAA-3'
Protein context (NP_115758.3, residues 448-468): DLRLCCPVAL[Ala458Val]QDVTGALEDA